The following is an entry in ClinVar:

NM_020433.5(JPH2):c.649G>A (p.Gly217Ser)

Gene: JPH2 (junctophilin 2; minus strand). Cytogenetic location: 20q13.12.
Variant type: single nucleotide variant.
Coding change: c.649G>A on transcript NM_020433.5 (MANE Select); coding-DNA position 649, G replaced by A.
Protein change: p.Gly217Ser; replaces glycine 217 with serine.
Molecular consequence: missense variant.
Genome position (GRCh38, 1-based): chr20:44,160,138, C>T on the plus strand (G>A on the coding strand, the complement: JPH2 is on the minus strand). VCF-style: chr20-44160138-C-T. GRCh37 (hg19) VCF-style: chr20-42788778-C-T.
Other names: short protein forms G217S.
Identifiers: ClinVar variation 935124 (VCV000935124.12), dbSNP rs1346458604, ClinGen allele CA409093958.

ClinVar aggregate classification (germline): Uncertain significance. Review status: criteria provided, multiple submitters, no conflicts (2 of 4 stars). 3 submissions from 3 submitters: Uncertain significance (3). Last evaluated 2026-09-20.

Conditions:
Cardiovascular phenotype. Identifiers: MedGen CN230736.
Hypertrophic cardiomyopathy. Also called: HYPERTROPHIC MYOCARDIOPATHY. Identifiers: Orphanet 217569, MedGen C0007194, MeSH D002312, MONDO:0005045, HP:0001639.
JPH2-related disorder. Also called: JPH2-related condition.

Allele frequency attached by ClinVar (database versions not stated): gnomAD exomes below 0.00001.

Submissions (3):

PreventionGenetics, part of Exact Sciences
Classification: Uncertain significance for JPH2-related condition. Last evaluated: 2026-09-20. Review status: criteria provided, single submitter. Criteria: ACMG Guidelines, 2015. Collection method: clinical testing. Allele origin: germline.
Comment: The JPH2 c.649G>A variant is predicted to result in the amino acid substitution p.Gly217Ser. To our knowledge, this variant has not been reported in the literature or in a large population database (gnomAD), indicating this variant is rare. At this time, the clinical significance of this variant is uncertain due to the absence of conclusive functional and genetic evidence.

Ambry Genetics
Classification: Uncertain significance for Cardiovascular phenotype. Last evaluated: 2022-10-27. Review status: criteria provided, single submitter. Criteria: Ambry Variant Classification Scheme 2023. Collection method: clinical testing. Allele origin: germline.
Comment: The p.G217S variant (also known as c.649G>A), located in coding exon 2 of the JPH2 gene, results from a G to A substitution at nucleotide position 649. The glycine at codon 217 is replaced by serine, an amino acid with similar properties. This amino acid position is conserved. In addition, this alteration is predicted to be tolerated by in silico analysis. Since supporting evidence is limited at this time, the clinical significance of this alteration remains unclear.

Labcorp Genetics (formerly Invitae), Labcorp
Classification: Uncertain significance for Hypertrophic cardiomyopathy. Last evaluated: 2022-10-13. Review status: criteria provided, single submitter. Criteria: Invitae Variant Classification Sherloc (09022015). Collection method: clinical testing. Allele origin: germline.
Comment: This sequence change replaces glycine, which is neutral and non-polar, with serine, which is neutral and polar, at codon 217 of the JPH2 protein (p.Gly217Ser). In summary, the available evidence is currently insufficient to determine the role of this variant in disease. Therefore, it has been classified as a Variant of Uncertain Significance. Algorithms developed to predict the effect of missense changes on protein structure and function output the following: SIFT: "Tolerated"; PolyPhen-2: "Benign"; Align-GVGD: "Class C0". The serine amino acid residue is found in multiple mammalian species, which suggests that this missense change does not adversely affect protein function. ClinVar contains an entry for this variant (Variation ID: 935124). This variant has not been reported in the literature in individuals affected with JPH2-related conditions. This variant is not present in population databases (gnomAD no frequency).